The following is an entry in ClinVar:

NM_001379270.1(CNGA1):c.481T>C (p.Tyr161His)

Genes: CNGA1 (cyclic nucleotide gated channel subunit alpha 1; minus strand), LOC101927157 (uncharacterized LOC101927157; plus strand). Cytogenetic location: 4p12.
Variant type: single nucleotide variant.
Coding change: c.481T>C on transcript NM_001379270.1 (MANE Select); coding-DNA position 481, T replaced by C.
Protein change: p.Tyr161His; replaces tyrosine 161 with histidine.
Molecular consequence: missense variant.
Genome position (GRCh38, 1-based): chr4:47,942,105, A>G on the plus strand (T>C on the coding strand, the complement: CNGA1 is on the minus strand). VCF-style: chr4-47942105-A-G. GRCh37 (hg19) VCF-style: chr4-47944122-A-G.
Other names: c.481T>C, p.Tyr161His (NM_000087.5, NM_001142564.2); c.493T>C (NM_000087.3); short protein forms Y161H.
Identifiers: ClinVar variation 1353246 (VCV001353246.9), dbSNP rs1390121708, ClinGen allele CA356831670.
Genomic context (GRCh38, chr4:47,942,105, plus strand): 5'-CAATAACCATTGTCCAGTTGTACATAACAGGTAATGTGATGCAAAACAGCCAGTTGTAAT[A>G]TGTGTTTCCCGAGGGATCAATAACCACAACTTCTTTCTTCTCCCTAGCGGCAATTAGAAA-3'
Protein context (NP_001366199.1, residues 151-171): VVVIDPSGNT[Tyr161His]YNWLFCITLP

ClinVar aggregate classification (germline): Uncertain significance. Review status: criteria provided, multiple submitters, no conflicts (2 of 4 stars). 2 submissions from 2 submitters: Uncertain significance (2). Last evaluated 2024-11-25.

Conditions:
Inborn genetic diseases. Identifiers: MedGen C0950123, MeSH D030342.

Allele frequency attached by ClinVar (database versions not stated): gnomAD exomes below 0.00001; TOPMed below 0.00001; gnomAD 0.00001.
gnomAD v4.1: 3 of 1,613,794 alleles (0.00019%); highest among the groups gnomAD compares: Non-Finnish European, 0.00025%; no homozygotes.

Submissions (2):

Ambry Genetics
Classification: Uncertain significance for Inborn genetic diseases. Last evaluated: 2024-11-25. Review status: criteria provided, single submitter. Criteria: Ambry Variant Classification Scheme 2023. Collection method: clinical testing. Allele origin: germline.

Labcorp Genetics (formerly Invitae), Labcorp
Classification: Uncertain significance. Last evaluated: 2021-03-24. Review status: criteria provided, single submitter. Criteria: Invitae Variant Classification Sherloc (09022015). Collection method: clinical testing. Allele origin: germline.
Comment: Algorithms developed to predict the effect of missense changes on protein structure and function are either unavailable or do not agree on the potential impact of this missense change (SIFT: "Tolerated"; PolyPhen-2: "Probably Damaging"; Align-GVGD: "Class C0"). In summary, the available evidence is currently insufficient to determine the role of this variant in disease. Therefore, it has been classified as a Variant of Uncertain Significance. This variant has not been reported in the literature in individuals with CNGA1-related conditions. This variant is not present in population databases (ExAC no frequency). This sequence change replaces tyrosine with histidine at codon 165 of the CNGA1 protein (p.Tyr165His). The tyrosine residue is moderately conserved and there is a moderate physicochemical difference between tyrosine and histidine.